The following is an entry in ClinVar:

ClinVar aggregate classification (germline): Uncertain significance (1 of 4 stars; one submission).

Submission:

GeneDx
Classification: Uncertain significance. Last evaluated: 2024-07-01. Review status: criteria provided, single submitter. Criteria: GeneDx Variant Classification Process June 2021. Collection method: clinical testing. Allele origin: germline. Affected: yes.
Comment: Not observed at significant frequency in large population cohorts (gnomAD); In silico analysis supports that this missense variant has a deleterious effect on protein structure/function; Has not been previously published as pathogenic or benign to our knowledge

NM_001190274.2(FBXO11):c.2159C>T (p.Pro720Leu)

Gene: FBXO11 (F-box protein 11; minus strand). Cytogenetic location: 2p16.3.
Variant type: single nucleotide variant.
Coding change: c.2159C>T on transcript NM_001190274.2 (MANE Select); coding-DNA position 2159, C replaced by T.
Protein change: p.Pro720Leu; replaces proline 720 with leucine.
Molecular consequence: missense variant.
Genome position (GRCh38, 1-based): chr2:47,813,302, G>A on the plus strand (C>T on the coding strand, the complement: FBXO11 is on the minus strand). VCF-style: chr2-47813302-G-A. GRCh37 (hg19) VCF-style: chr2-48040441-G-A.
Other names: c.1907C>T, p.Pro636Leu (NM_001374325.1, NM_025133.4); short protein forms P720L, P636L.
Identifiers: ClinVar variation 3393815 (VCV003393815.1).